The following is an entry in ClinVar:

ClinVar aggregate classification (germline): Uncertain significance (1 of 4 stars; one submission).

Submission:

Women's Health and Genetics/Laboratory Corporation of America, LabCorp
Classification: Uncertain significance. Last evaluated: 2025-11-04. Review status: criteria provided, single submitter. Criteria: LabCorp Variant Classification Summary - May 2015. Collection method: clinical testing. Allele origin: germline.
Comment: Variant summary: TTN c.78592G>A (p.Val26198Ile) results in a conservative amino acid change in the encoded protein sequence. Algorithms developed to predict the effect of missense changes on protein structure and function are either unavailable or do not agree on the potential impact of this missense change. The variant was absent in 246668 control chromosomes. The available data on variant occurrences in the general population are insufficient to allow any conclusion about variant significance. To our knowledge, no occurrence of c.78592G>A in individuals affected with TTN-related conditions and no experimental evidence demonstrating its impact on protein function have been reported. No submitters have cited clinical-significance assessments for this variant to ClinVar. Based on the evidence outlined above, the variant was classified as uncertain significance.

NM_001267550.2(TTN):c.86296G>A (p.Val28766Ile)

Genes: TTN (titin; minus strand), TTN-AS1 (TTN antisense RNA 1; plus strand). Cytogenetic location: 2q31.2.
Variant type: single nucleotide variant.
Coding change: c.86296G>A on transcript NM_001267550.2 (MANE Select); coding-DNA position 86296, G replaced by A.
Protein change: p.Val28766Ile; replaces valine 28766 with isoleucine.
Molecular consequence: missense variant.
Genome position (GRCh38, 1-based): chr2:178,559,836, C>T on the plus strand (G>A on the coding strand, the complement: TTN is on the minus strand). VCF-style: chr2-178559836-C-T. GRCh37 (hg19) VCF-style: chr2-179424563-C-T.
Other names: c.81373G>A, p.Val27125Ile (NM_001256850.1); c.59101G>A, p.Val19701Ile (NM_003319.4); c.78592G>A, p.Val26198Ile (NM_133378.4); c.59476G>A, p.Val19826Ile (NM_133432.3); c.59677G>A, p.Val19893Ile (NM_133437.4); short protein forms V19701I, V19826I, V19893I, V26198I, V27125I, V28766I.
Identifiers: ClinVar variation 4537089 (VCV004537089.1).